The following is an entry in ClinVar:

ClinVar aggregate classification (germline): Uncertain significance (1 of 4 stars; one submission).

Conditions:
Chromosome 1p32-p31 deletion syndrome. Identifiers: Orphanet 401986, MedGen C4707828, MONDO:0013396.

Allele frequency attached by ClinVar (database versions not stated): TOPMed 0.00002.
gnomAD v4.1: 3 of 1,546,934 alleles (0.00019%); highest among the groups gnomAD compares: Non-Finnish European, 0.00026%; no homozygotes.

Submission:

Baylor Genetics
Classification: Uncertain significance for Brain malformations with or without urinary tract defects. Last evaluated: 2020-04-05. Review status: criteria provided, single submitter. Criteria: ACMG Guidelines, 2015. Collection method: clinical testing. Allele origin: unknown. Affected: yes.
Comment: This variant was determined to be of uncertain significance according to ACMG Guidelines, 2015 [PMID:25741868].

NM_001145512.2(NFIA):c.104+5G>C

Genes: NFIA (nuclear factor I A; plus strand), LOC122056894 (Sharpr-MPRA regulatory region 5981; plus strand). Cytogenetic location: 1p31.3.
Variant type: single nucleotide variant.
Coding change: c.104+5G>C on transcript NM_001145512.2; 5 bases into the intron after coding-DNA position 104, G replaced by C.
Molecular consequence: intron variant.
Genome position (GRCh38, 1-based): chr1:61,082,052, G>C. VCF-style: chr1-61082052-G-C. GRCh37 (hg19) VCF-style: chr1-61547724-G-C.
Other names: c.3+4424G>C (NM_001145511.2).
Identifiers: ClinVar variation 1031169 (VCV001031169.3), dbSNP rs992223479, ClinGen allele CA737547678.